The following is an entry in ClinVar:

ClinVar aggregate classification (germline): Benign (1 of 4 stars; one submission).

Conditions:
Hereditary diffuse gastric adenocarcinoma (HDGC). Also called: DIFFUSE GASTRIC AND LOBULAR BREAST CANCER SYNDROME. Identifiers: Orphanet 26106, MedGen C1708349, MONDO:0007648, OMIM 137215.

gnomAD v4.1: 1 of 1,614,206 alleles (0.000062%); highest among the groups gnomAD compares: Admixed American, 0.0017%; no homozygotes.

Submission:

Myriad Genetics, Inc.
Classification: Benign for Hereditary diffuse gastric adenocarcinoma. Last evaluated: 2024-09-19. Review status: criteria provided, single submitter. Criteria: Myriad Autosomal Dominant, Autosomal Recessive and X-Linked Classification Criteria (2023). Collection method: clinical testing. Allele origin: unknown.
Comment: This variant is considered benign. This variant is a silent/synonymous amino acid change and it is not expected to impact splicing.

NM_004360.5(CDH1):c.1584C>T (p.Asp528=)

Gene: CDH1 (cadherin 1; plus strand). Cytogenetic location: 16q22.1.
Variant type: single nucleotide variant.
Coding change: c.1584C>T on transcript NM_004360.5 (MANE Select); coding-DNA position 1584, C replaced by T.
Protein change: p.Asp528=; no amino-acid change (aspartic acid 528 retained).
Molecular consequence: synonymous variant. On other transcripts: intron variant (1).
Genome position (GRCh38, 1-based): chr16:68,819,298, C>T. VCF-style: chr16-68819298-C-T. GRCh37 (hg19) VCF-style: chr16-68853201-C-T.
Other names: c.1401C>T, p.Asp467= (NM_001317184.2); c.36C>T, p.Asp12= (NM_001317185.2); c.-254-2703C>T (NM_001317186.2).
Identifiers: ClinVar variation 3379359 (VCV003379359.1).